The following is an entry in ClinVar:

ClinVar aggregate classification (germline): Benign. Review status: criteria provided, multiple submitters, no conflicts (2 of 4 stars). 3 submissions from 3 submitters: Benign (2). 1 of the submissions does not count toward it. Last evaluated 2023-11-02.

Conditions:
Luscan-Lumish syndrome. Identifiers: Orphanet 597738, MedGen C4085873, MONDO:0014791, OMIM 616831.
SETD2-related disorder.

Allele frequency attached by ClinVar (database versions not stated): gnomAD exomes 0.00003 and 0.00008; gnomAD 0.00040 and 0.00044; ExAC 0.00011; 1000 Genomes Project 0.00020; ESP Exome Variant Server 0.00054; 1000 Genomes Project 30x 0.00031; TOPMed 0.00039.
gnomAD v4.1: 112 of 1,613,978 alleles (0.0069%); highest among the groups gnomAD compares: African/African-American, 0.14%; no homozygotes.

Submissions (3):

Labcorp Genetics (formerly Invitae), Labcorp
Classification: Benign for Luscan-Lumish syndrome. Last evaluated: 2023-11-02. Review status: criteria provided, single submitter. Criteria: Invitae Variant Classification Sherloc (09022015). Collection method: clinical testing. Allele origin: germline.

Breakthrough Genomics
Classification: Benign. Review status: criteria provided, single submitter. Criteria: ACMG Guidelines, 2015. Collection method: not provided. Allele origin: germline. Inheritance: Autosomal dominant inheritance. Affected: yes.

PreventionGenetics, part of Exact Sciences
Classification: Likely benign for SETD2-related condition. Last evaluated: 2019-08-12. Review status: no assertion criteria provided. Collection method: clinical testing. Allele origin: germline. Not counted in ClinVar's aggregate classification.
Comment: This variant is classified as likely benign based on ACMG/AMP sequence variant interpretation guidelines (Richards et al. 2015 PMID: 25741868, with internal and published modifications).

NM_014159.7(SETD2):c.6009G>A (p.Val2003=)

Gene: SETD2 (SET domain containing 2, histone lysine methyltransferase; minus strand). Cytogenetic location: 3p21.31.
Variant type: single nucleotide variant.
Coding change: c.6009G>A on transcript NM_014159.7 (MANE Select); coding-DNA position 6009, G replaced by A.
Protein change: p.Val2003=; no amino-acid change (valine 2003 retained).
Molecular consequence: synonymous variant. On other transcripts: non-coding transcript variant (1).
Genome position (GRCh38, 1-based): chr3:47,083,771, C>T on the plus strand (G>A on the coding strand, the complement: SETD2 is on the minus strand). VCF-style: chr3-47083771-C-T. GRCh37 (hg19) VCF-style: chr3-47125261-C-T.
Other names: c.5877G>A, p.Val1959= (NM_001349370.3).
Identifiers: ClinVar variation 542239 (VCV000542239.14), dbSNP rs148671940, ClinGen allele CA2362823.